The following is an entry in ClinVar:

NM_000062.3(SERPING1):c.793_794insTGGCCACCT (p.Thr264_Trp265insLeuAlaThr)

Gene: SERPING1 (serpin family G member 1; plus strand). Cytogenetic location: 11q12.1.
Variant type: Insertion.
Coding change: c.793_794insTGGCCACCT on transcript NM_000062.3 (MANE Select); coding-DNA positions 793 to 794, TGGCCACCT inserted.
Protein change: p.Thr264_Trp265insLeuAlaThr.
Molecular consequence: inframe insertion.
Genome position: GRCh38 VCF-style: chr11-57606112-A-ACACCTTGGC. GRCh37 (hg19) VCF-style: chr11-57373585-A-ACACCTTGGC.
Other names: c.793_794insTGGCCACCT, p.Thr264_Trp265insLeuAlaThr (NM_001032295.2).
Identifiers: ClinVar variation 3336724 (VCV003336724.2).
Genomic context (GRCh38, chr11:57,606,112, plus strand): 5'-TGTACAGCAGCAGCCCCAGAGTCCTAAGCAACAACAGTGACGCCAACTTGGAGCTCATCA[A>ACACCTTGGC]CACCTGGGTGGCCAAGAACACCAACAACAAGATCAGCCGGCTGCTAGACAGTCTGCCCTC-3'

ClinVar aggregate classification (germline): Likely pathogenic (1 of 4 stars; one submission).

Conditions:
Hereditary angioedema type 1 (HAE1). Identifiers: Orphanet 100050, Orphanet 100051, Orphanet 91378, MedGen C2717906, MONDO:0015053, OMIM 106100.

Submission:

DNA-diagnostics Laboratory, Research Centre For Medical Genetics
Classification: Likely pathogenic for Hereditary angioedema type 1. Last evaluated: 2024-08-12. Review status: criteria provided, single submitter. Criteria: ACMG Guidelines, 2015. Collection method: research. Allele origin: germline. Inheritance: Autosomal dominant inheritance. Affected: yes. Observed: 2 variant alleles, 2 heterozygotes.
Comment: The pathogenic or likely pathogenic SERPING1 gene variants are detected in >90% of the HAE1/2 families and in >80% of the total HAE families (e.g., DOI: 10.1016/j.molimm.2008.05.007, 10.1159/2F000138883, 10.1016/j.molimm.2011.07.010). In summary, the c.793_794insTGGCCACCT variant in SERPING1 meets ACMG/ClinGen SVI guidance criteria to be classified as likely pathogenic: PP4_Str, PM4, PM2_Sup, PP1